The following is an entry in ClinVar:

NM_007294.4(BRCA1):c.5461T>A (p.Phe1821Ile)

Gene: BRCA1 (BRCA1 DNA repair associated; minus strand). Cytogenetic location: 17q21.31.
Variant type: single nucleotide variant.
Coding change: c.5461T>A on transcript NM_007294.4 (MANE Select); coding-DNA position 5461, T replaced by A.
Protein change: p.Phe1821Ile; replaces phenylalanine 1821 with isoleucine.
Molecular consequence: missense variant. On other transcripts: non-coding transcript variant (1).
Genome position (GRCh38, 1-based): chr17:43,047,649, A>T on the plus strand (T>A on the coding strand, the complement: BRCA1 is on the minus strand). VCF-style: chr17-43047649-A-T. GRCh37 (hg19) VCF-style: chr17-41199666-A-T.
Other names: c.5332T>A, p.Phe1778Ile (NM_001407683.1, NM_001407684.1, NM_001407685.1 and 6 more transcripts); c.5329T>A, p.Phe1777Ile (NM_001407690.1, NM_001407691.1); c.5320T>A, p.Phe1774Ile (NM_001407692.1, NM_001407728.1, NM_001407729.1 and 12 more transcripts); c.2026T>A, p.Phe676Ile (NM_001408441.1, NM_001408442.1, NM_001408443.1 and 10 more transcripts); c.2023T>A, p.Phe675Ile (NM_001408445.1, NM_001408446.1, NM_001408447.1 and 2 more transcripts); c.2017T>A, p.Phe673Ile (NM_001408451.1); c.5458T>A, p.Phe1820Ile (NM_001407623.1, NM_001407624.1, NM_001407625.1 and 14 more transcripts); c.5455T>A, p.Phe1819Ile (NM_001407627.1, NM_001407628.1, NM_001407629.1 and 13 more transcripts); and 83 more; short protein forms F1821I, F1842I, L692H, F1774I, F717I, F1652I, F1692I, F1708I.
Identifiers: ClinVar variation 865550 (VCV000865550.3), dbSNP rs2050978032, ClinGen allele CA10590446.

Conditions:
Breast-ovarian cancer, familial, susceptibility to, 1 (BROVCA1). Also called: BRCA1 Hereditary Breast and Ovarian Cancer; OVARIAN CANCER, SUSCEPTIBILITY TO. Identifiers: Orphanet 145, MedGen C2676676, MONDO:0011450, OMIM 604370. Disease mechanism: loss of function.

Submission:

Brotman Baty Institute, University of Washington
No classification provided (evidence only). Condition: Breast-ovarian cancer, familial 1. Review status: no classification provided. Collection method: in vitro. Allele origin: not applicable. Functional consequence: functionally_normal.
ClinVar note: "not provided" was previously submitted as the classification for the variant. However, the classification appeared to be based only on an observation of functional data so it was converted to no classification on 2025-07-30.